The following is an entry in ClinVar:

NM_058216.3(RAD51C):c.567A>G (p.Gly189=)

Gene: RAD51C (RAD51 paralog C; plus strand). Cytogenetic location: 17q22.
Variant type: single nucleotide variant.
Coding change: c.567A>G on transcript NM_058216.3 (MANE Select); coding-DNA position 567, A replaced by G.
Protein change: p.Gly189=; no amino-acid change (glycine 189 retained).
Molecular consequence: synonymous variant.
Genome position (GRCh38, 1-based): chr17:58,696,855, A>G. VCF-style: chr17-58696855-A-G. GRCh37 (hg19) VCF-style: chr17-56774216-A-G.
Identifiers: ClinVar variation 629663 (VCV000629663.12), dbSNP rs1567788981, ClinGen allele CA501075094.
Genomic context (GRCh38, chr17:58,696,855, plus strand): 5'-GGTAGACCTTGCTACTGCCTGCATTCAGCACCTTCAGCTTATAGCAGAAAAACACAAGGG[A>G]GAGGGTAAGTTAGTAAATGATCTTCTTTTTTTCTGTATTAATAAAAGTAATTTGCATTTG-3'
Protein context (NP_478123.1, residues 179-199): HLQLIAEKHK[Gly189=]EEHRKALEDF

ClinVar aggregate classification (germline): Benign/Likely benign. Review status: criteria provided, multiple submitters, no conflicts (2 of 4 stars). 4 submissions from 4 submitters: Benign (1); Likely benign (3). Last evaluated 2025-04-30.

Conditions:
Fanconi anemia complementation group O. Also called: RAD51C-Related Fanconi Anemia. Identifiers: Orphanet 84, MedGen C3150653, MONDO:0013248, OMIM 613390.
Hereditary cancer-predisposing syndrome. Also called: Tumor predisposition; Neoplastic Syndromes, Hereditary; Hereditary Cancer Syndrome; Hereditary neoplastic syndrome. Identifiers: Orphanet 140162, MedGen C0027672, MeSH D009386, MONDO:0015356.
Breast-ovarian cancer, familial, susceptibility to, 3. Also called: RAD51C-Related Breast/Ovarian Cancer. Identifiers: Orphanet 145, MedGen C3150659, MONDO:0013253, OMIM 613399.

Submissions (4):

Labcorp Genetics (formerly Invitae), Labcorp
Classification: Likely benign for Fanconi anemia complementation group O. Last evaluated: 2025-04-30. Review status: criteria provided, single submitter. Criteria: Invitae Variant Classification Sherloc (09022015). Collection method: clinical testing. Allele origin: germline.

Myriad Genetics, Inc.
Classification: Benign for Breast-ovarian cancer, familial, susceptibility to, 3. Last evaluated: 2025-02-18. Review status: criteria provided, single submitter. Criteria: Myriad Autosomal Dominant, Autosomal Recessive and X-Linked Classification Criteria (2023). Collection method: clinical testing. Allele origin: unknown.
Comment: This variant is considered benign. This variant is a silent/synonymous amino acid change and it is not expected to impact splicing.

Ambry Genetics
Classification: Likely benign for Hereditary cancer-predisposing syndrome. Last evaluated: 2019-01-24. Review status: criteria provided, single submitter. Criteria: Ambry Variant Classification Scheme 2023. Collection method: clinical testing. Allele origin: germline.

Color Diagnostics, LLC DBA Color Health
Classification: Likely benign for Hereditary cancer-predisposing syndrome. Last evaluated: 2018-10-19. Review status: criteria provided, single submitter. Criteria: ACMG Guidelines, 2015. Collection method: clinical testing. Allele origin: germline.